The following is an entry in ClinVar:

NM_017565.4(FAM20A):c.1231C>A (p.Arg411=)

Genes: FAM20A (FAM20A golgi associated secretory pathway pseudokinase; minus strand), PRKAR1A (protein kinase cAMP-dependent type I regulatory subunit alpha; plus strand). Cytogenetic location: 17q24.2.
Variant type: single nucleotide variant.
Coding change: c.1231C>A on transcript NM_017565.4 (MANE Select); coding-DNA position 1231, C replaced by A.
Protein change: p.Arg411=; no amino-acid change (arginine 411 retained).
Molecular consequence: synonymous variant. On other transcripts: non-coding transcript variant (1), intron variant (1).
Genome position (GRCh38, 1-based): chr17:68,539,955, G>T on the plus strand (C>A on the coding strand, the complement: FAM20A is on the minus strand). VCF-style: chr17-68539955-G-T. GRCh37 (hg19) VCF-style: chr17-66536096-G-T.
Other names: c.817C>A, p.Arg273= (NM_001243746.2); c.973+9954G>T (NM_001276290.1).
Identifiers: ClinVar variation 781389 (VCV000781389.16), dbSNP rs149970399, ClinGen allele CA8729729.

ClinVar aggregate classification (germline): Benign/Likely benign. Review status: criteria provided, multiple submitters, no conflicts (2 of 4 stars). 4 submissions from 4 submitters: Benign (2); Likely benign (2). Last evaluated 2026-03-01.

Allele frequency attached by ClinVar (database versions not stated): gnomAD 0.00183 and 0.00182; TOPMed 0.00182; ESP Exome Variant Server 0.00246; 1000 Genomes Project 0.00359; ExAC 0.00090; 1000 Genomes Project 30x 0.00297.
gnomAD v4.1: 866 of 1,614,056 alleles (0.054%); highest among the groups gnomAD compares: African/African-American, 0.59%; 5 homozygotes.

Submissions (4):

CeGaT Center for Human Genetics Tuebingen
Classification: Likely benign. Last evaluated: 2026-03-01. Review status: criteria provided, single submitter. Criteria: CeGaT Center For Human Genetics Tuebingen Variant Classification Criteria Version 2. Collection method: clinical testing. Allele origin: germline. Affected: yes. Observed: 1 variant allele.
Comment: PRKAR1A: BS1

Labcorp Genetics (formerly Invitae), Labcorp
Classification: Benign. Last evaluated: 2026-01-22. Review status: criteria provided, single submitter. Criteria: Invitae Variant Classification Sherloc (09022015). Collection method: clinical testing. Allele origin: germline.

Blueprint Genetics
Classification: Likely benign. Last evaluated: 2024-10-08. Review status: criteria provided, single submitter. Criteria: ACMG Guidelines, 2015. Collection method: clinical testing. Allele origin: germline.

Breakthrough Genomics
Classification: Benign. Review status: criteria provided, single submitter. Criteria: ACMG Guidelines, 2015. Collection method: not provided. Allele origin: germline. Inheritance: Autosomal recessive inheritance. Affected: yes.